The following is an entry in ClinVar:

NM_005477.3(HCN4):c.3095C>T (p.Pro1032Leu)

Gene: HCN4 (hyperpolarization activated cyclic nucleotide gated potassium channel 4; minus strand). Cytogenetic location: 15q24.1.
Variant type: single nucleotide variant.
Coding change: c.3095C>T on transcript NM_005477.3 (MANE Select); coding-DNA position 3095, C replaced by T.
Protein change: p.Pro1032Leu; replaces proline 1032 with leucine.
Molecular consequence: missense variant.
Genome position (GRCh38, 1-based): chr15:73,322,998, G>A on the plus strand (C>T on the coding strand, the complement: HCN4 is on the minus strand). VCF-style: chr15-73322998-G-A. GRCh37 (hg19) VCF-style: chr15-73615339-G-A.
Other names: short protein forms P1032L.
Identifiers: ClinVar variation 2869790 (VCV002869790.3), dbSNP rs1463237931, ClinGen allele CA393086224.
Genomic context (GRCh38, chr15:73,322,998, plus strand): 5'-AAGGATCCGTGGGAGCCAGAGGCCCGGGGCGGGGCACTCGGGAAGGTTCTTGGGGGGCCT[G>A]GGCTGTGGCCAGGGGGGCTGAGACCTCCTCGGGGAGTAAAGCCTACAGGGGAAGCCCCCC-3'
Protein context (NP_005468.1, residues 1022-1042): RGGLSPPGHS[Pro1032Leu]GPPRTFPSAP

ClinVar aggregate classification (germline): Uncertain significance (1 of 4 stars; one submission).

Conditions:
Brugada syndrome 8 (BRGDA8). Identifiers: Orphanet 130, MedGen C2751083, MONDO:0013148, OMIM 613123.

Allele frequency attached by ClinVar (database versions not stated): gnomAD exomes below 0.00001.
gnomAD v4.1: 3 of 1,459,418 alleles (0.00021%); highest among the groups gnomAD compares: Non-Finnish European, 0.00018%; no homozygotes.

Submission:

Labcorp Genetics (formerly Invitae), Labcorp
Classification: Uncertain significance for Brugada syndrome 8. Last evaluated: 2023-03-08. Review status: criteria provided, single submitter. Criteria: Invitae Variant Classification Sherloc (09022015). Collection method: clinical testing. Allele origin: germline.
Comment: This sequence change replaces proline, which is neutral and non-polar, with leucine, which is neutral and non-polar, at codon 1032 of the HCN4 protein (p.Pro1032Leu). This variant is not present in population databases (gnomAD no frequency). This variant has not been reported in the literature in individuals affected with HCN4-related conditions. Advanced modeling of protein sequence and biophysical properties (such as structural, functional, and spatial information, amino acid conservation, physicochemical variation, residue mobility, and thermodynamic stability) performed at Invitae indicates that this missense variant is not expected to disrupt HCN4 protein function. In summary, the available evidence is currently insufficient to determine the role of this variant in disease. Therefore, it has been classified as a Variant of Uncertain Significance.